The following is an entry in ClinVar:

ClinVar aggregate classification (germline): Likely benign. Review status: criteria provided, multiple submitters, no conflicts (2 of 4 stars). 2 submissions from 2 submitters: Likely benign (2). Last evaluated 2025-01-28.

Allele frequency attached by ClinVar (database versions not stated): gnomAD exomes 0.00065 and 0.00172; ExAC 0.00219; 1000 Genomes Project 0.00659; 1000 Genomes Project 30x 0.00671; ESP Exome Variant Server 0.00815.
gnomAD v4.1: 1,910 of 1,612,426 alleles (0.12%); highest among the groups gnomAD compares: African/African-American, 2.1%; 19 homozygotes.

Submissions (2):

Mayo Clinic Laboratories, Mayo Clinic
Classification: Likely benign. Last evaluated: 2025-01-28. Review status: criteria provided, single submitter. Criteria: ACMG Guidelines, 2015. Collection method: clinical testing. Allele origin: germline. Observed: 1 variant allele.
Comment: BA1, BS2, BP7

GeneDx
Classification: Likely benign. Last evaluated: 2018-07-27. Review status: criteria provided, single submitter. Criteria: GeneDx Variant Classification Process June 2021. Collection method: clinical testing. Allele origin: germline. Affected: yes.

NM_000191.3(HMGCL):c.497+24C>A

Gene: HMGCL (3-hydroxy-3-methylglutaryl-CoA lyase; minus strand). Cytogenetic location: 1p36.11.
Variant type: single nucleotide variant.
Coding change: c.497+24C>A on transcript NM_000191.3 (MANE Select); 24 bases into the intron after coding-DNA position 497, C replaced by A.
Molecular consequence: intron variant.
Genome position (GRCh38, 1-based): chr1:23,814,166, G>T on the plus strand (C>A on the coding strand, the complement: HMGCL is on the minus strand). VCF-style: chr1-23814166-G-T. GRCh37 (hg19) VCF-style: chr1-24140656-G-T.
Other names: p.?; c.348+2509C>A (NM_001166059.2).
Identifiers: ClinVar variation 1211516 (VCV001211516.4), dbSNP rs115948624, ClinGen allele CA686085.
Genomic context (GRCh38, chr1:23,814,166, plus strand): 5'-TGTGGCAGGAGGACCACTTGAGTCAGAGTCTAGCCCCATTCCAGAACGGTACAGAGGAAA[G>T]GATACCAATGTGCTCTGACTCACCCCCGCACAGAAATATTGGCTGACTGCGCTGCCTTCA-3'